The following is an entry in ClinVar:

ClinVar aggregate classification (germline): Pathogenic (1 of 4 stars; one submission).

Conditions:
Intellectual developmental disorder, X-linked, syndromic, Houge type. Also called: MENTAL RETARDATION, X-LINKED, SYNDROMIC, HOUGE TYPE; Intellectual disability, X-linked, syndromic, Houge type. Identifiers: MedGen C4538788, MONDO:0030909, OMIM 301008.

Submission:

Pittsburgh Clinical Genomics Laboratory, University of Pittsburgh Medical Center
Classification: Pathogenic for Intellectual developmental disorder, X-linked, syndromic, Houge type. Last evaluated: 2023-08-11. Review status: criteria provided, single submitter. Criteria: ACMG Guidelines, 2015. Collection method: clinical testing. Allele origin: germline. Inheritance: X-linked inheritance. Affected: yes.
Comment: This sequence variant is a single nucleotide substitution (G>A) at coding position 423 of the CNKSR2 gene which changes the Trp141 codon to an early termition sigl. As it occurs in exon 3 of 23, this variant is predicted to generate a non-functiol allele through either the expression of a truncated protein or a loss of CNKSR2 expression due to nonsense-mediated decay. This novel variant is absent from ClinVar, medical publications, and the gnomAD population database (0/~177000 alleles). Haploinsufficiency in CNKSR2 is a known mechanism of disease. Based upon the evidence, we consider this variant to be pathogenic. ACMG Criteria: PM2, PS2, PVS1

NM_014927.5(CNKSR2):c.423G>A (p.Trp141Ter)

Gene: CNKSR2 (connector enhancer of kinase suppressor of Ras 2; plus strand). Cytogenetic location: Xp22.12.
Variant type: single nucleotide variant.
Coding change: c.423G>A on transcript NM_014927.5 (MANE Select); coding-DNA position 423, G replaced by A.
Protein change: p.Trp141Ter; replaces tryptophan 141 with a stop codon.
Molecular consequence: nonsense.
Genome position (GRCh38, 1-based): chrX:21,432,806, G>A. VCF-style: chrX-21432806-G-A. GRCh37 (hg19) VCF-style: chrX-21450924-G-A.
Other names: c.423G>A, p.Trp141Ter (NM_001168647.3, NM_001168648.3, NM_001168649.3 and 4 more transcripts); short protein forms W141*.
Identifiers: ClinVar variation 3376274 (VCV003376274.1).
Genomic context (GRCh38, chrX:21,432,806, plus strand): 5'-AAACGACTTTCTGACCTCAGTTGTGGATCTGATTGGAGCAGCCAAGAGTCTGCTTGCCTG[G>A]TTGGACAGGTAAAGTCTTCCGCATGTTTCATAAGTATCCTCTCCTCAGACACCAGTTTGA-3'